The following is an entry in ClinVar:

ClinVar aggregate classification (germline): Uncertain significance (1 of 4 stars; one submission).

Conditions:
LRRC45-related disorder. Also called: LRRC45-related condition.

gnomAD v4.1: 497 of 1,547,512 alleles (0.032%); highest among the groups gnomAD compares: Middle Eastern, 0.11%; no homozygotes.

Submission:

PreventionGenetics, part of Exact Sciences
Classification: Uncertain significance for LRRC45-related condition. Last evaluated: 2026-03-03. Review status: criteria provided, single submitter. Criteria: ACMG Guidelines, 2015. Collection method: clinical testing. Allele origin: germline.
Comment: The LRRC45 c.1790C>T variant is predicted to result in the amino acid substitution p.Ala597Val. To our knowledge, this variant has not been reported in the literature. This variant is reported in 0.067% of alleles in individuals of European (Non-Finnish) descent in gnomAD, which may be too common to be an unreported primary cause of disease. In addition, valine is found at this position in many vertebrates including some primates, suggesting that it might be tolerated. Although, we suspect that this variant may be benign, at this time, the clinical significance of this variant is uncertain due to the absence of conclusive functional and genetic evidence.

NM_144999.4(LRRC45):c.1790C>T (p.Ala597Val)

Gene: LRRC45 (leucine rich repeat containing 45; plus strand). Cytogenetic location: 17q25.3.
Variant type: single nucleotide variant.
Coding change: c.1790C>T on transcript NM_144999.4 (MANE Select); coding-DNA position 1790, C replaced by T.
Protein change: p.Ala597Val; replaces alanine 597 with valine.
Molecular consequence: missense variant.
Genome position (GRCh38, 1-based): chr17:82,030,440, C>T. VCF-style: chr17-82030440-C-T. GRCh37 (hg19) VCF-style: chr17-79988316-C-T.
Other names: short protein forms A597V.
Identifiers: ClinVar variation 3352195 (VCV003352195.2).